The following is an entry in ClinVar:

NM_024741.3(ZNF408):c.1403G>T (p.Cys468Phe)

Gene: ZNF408 (zinc finger protein 408; plus strand). Cytogenetic location: 11p11.2.
Variant type: single nucleotide variant.
Coding change: c.1403G>T on transcript NM_024741.3 (MANE Select); coding-DNA position 1403, G replaced by T.
Protein change: p.Cys468Phe; replaces cysteine 468 with phenylalanine.
Molecular consequence: missense variant.
Genome position (GRCh38, 1-based): chr11:46,705,103, G>T. VCF-style: chr11-46705103-G-T. GRCh37 (hg19) VCF-style: chr11-46726653-G-T.
Other names: c.1403G>T (NM_024741.2); c.1379G>T, p.Cys460Phe (NM_001184751.2); short protein forms C468F, C460F.
Identifiers: ClinVar variation 2967474 (VCV002967474.5), dbSNP rs531501450, ClinGen allele CA5966563.
Genomic context (GRCh38, chr11:46,705,103, plus strand): 5'-GCCGGCCCTCCCTGCGGCTGCATCGCAAGACCCACCAGGTGCCAGCTGCCCCTGCCCCTT[G>T]CCCATGCCCTGTGTGTGGGCGGCCCCTGGCCAACCAGGGCTCCCTGCGGAACCATATGAG-3'
Protein context (NP_079017.1, residues 458-478): THQVPAAPAP[Cys468Phe]PCPVCGRPLA

ClinVar aggregate classification (germline): Uncertain significance. Review status: criteria provided, multiple submitters, no conflicts (2 of 4 stars). 3 submissions from 3 submitters: Uncertain significance (3). Last evaluated 2025-08-28.

Conditions:
Inborn genetic diseases. Identifiers: MedGen C0950123, MeSH D030342.

Allele frequency attached by ClinVar (database versions not stated): gnomAD 0.00003; ExAC 0.00005; 1000 Genomes Project 30x 0.00047; 1000 Genomes Project 0.00060.

Submissions (3):

Ambry Genetics
Classification: Uncertain significance for Inborn genetic diseases. Last evaluated: 2025-08-28. Review status: criteria provided, single submitter. Criteria: Ambry Variant Classification Scheme 2023. Collection method: clinical testing. Allele origin: germline.

Labcorp Genetics (formerly Invitae), Labcorp
Classification: Uncertain significance. Last evaluated: 2023-12-21. Review status: criteria provided, single submitter. Criteria: Invitae Variant Classification Sherloc (09022015). Collection method: clinical testing. Allele origin: germline.
Comment: This sequence change replaces cysteine, which is neutral and slightly polar, with phenylalanine, which is neutral and non-polar, at codon 468 of the ZNF408 protein (p.Cys468Phe). This variant is present in population databases (rs531501450, gnomAD 0.03%). This variant has not been reported in the literature in individuals affected with ZNF408-related conditions. An algorithm developed to predict the effect of missense changes on protein structure and function (PolyPhen-2) suggests that this variant is likely to be disruptive. In summary, the available evidence is currently insufficient to determine the role of this variant in disease. Therefore, it has been classified as a Variant of Uncertain Significance.

Blueprint Genetics
Classification: Uncertain significance. Last evaluated: 2018-10-22. Review status: criteria provided, single submitter. Criteria: ACMG Guidelines, 2015. Collection method: clinical testing. Allele origin: germline.